The following is an entry in ClinVar:

NM_018942.3(HMX1):c.710C>G (p.Ala237Gly)

Gene: HMX1 (H6 family homeobox 1; minus strand). Cytogenetic location: 4p16.1.
Variant type: single nucleotide variant.
Coding change: c.710C>G on transcript NM_018942.3 (MANE Select); coding-DNA position 710, C replaced by G.
Protein change: p.Ala237Gly; replaces alanine 237 with glycine.
Molecular consequence: missense variant. On other transcripts: intron variant (1).
Genome position (GRCh38, 1-based): chr4:8,868,030, G>C on the plus strand (C>G on the coding strand, the complement: HMX1 is on the minus strand). VCF-style: chr4-8868030-G-C. GRCh37 (hg19) VCF-style: chr4-8869756-G-C.
Other names: c.394+3191C>G (NM_001306142.2); short protein forms A237G.
Identifiers: ClinVar variation 1524561 (VCV001524561.8), dbSNP rs2109473152, ClinGen allele CA356277986.

ClinVar aggregate classification (germline): Uncertain significance (1 of 4 stars; one submission).

Submission:

Labcorp Genetics (formerly Invitae), Labcorp
Classification: Uncertain significance. Last evaluated: 2020-11-12. Review status: criteria provided, single submitter. Criteria: Invitae Variant Classification Sherloc (09022015). Collection method: clinical testing. Allele origin: germline.
Comment: This sequence change replaces alanine with glycine at codon 237 of the HMX1 protein (p.Ala237Gly). The alanine residue is highly conserved and there is a small physicochemical difference between alanine and glycine. This variant is not present in population databases (ExAC no frequency). This variant has not been reported in the literature in individuals with HMX1-related conditions. Algorithms developed to predict the effect of missense changes on protein structure and function (SIFT, PolyPhen-2, Align-GVGD) all suggest that this variant is likely to be disruptive, but these predictions have not been confirmed by published functional studies and their clinical significance is uncertain. In summary, the available evidence is currently insufficient to determine the role of this variant in disease. Therefore, it has been classified as a Variant of Uncertain Significance.